The following is an entry in ClinVar:

NM_006486.3(FBLN1):c.1545G>C (p.Arg515Ser)

Gene: FBLN1 (fibulin 1; plus strand). Cytogenetic location: 22q13.31.
Variant type: single nucleotide variant.
Coding change: c.1545G>C on transcript NM_006486.3 (MANE Select); coding-DNA position 1545, G replaced by C.
Protein change: p.Arg515Ser; replaces arginine 515 with serine.
Molecular consequence: missense variant.
Genome position (GRCh38, 1-based): chr22:45,548,716, G>C. VCF-style: chr22-45548716-G-C. GRCh37 (hg19) VCF-style: chr22-45944596-G-C.
Other names: c.1545G>C, p.Arg515Ser (NM_001996.4, NM_006485.4, NM_006487.3); short protein forms R515S.
Identifiers: ClinVar variation 4977337 (VCV004977337.1).

ClinVar aggregate classification (germline): Uncertain significance (1 of 4 stars; one submission).

Conditions:
FBLN1-related disorder. Also called: FBLN1-related condition.

gnomAD v4.1: 6 of 1,613,336 alleles (0.00037%); highest among the groups gnomAD compares: Non-Finnish European, 0.00051%; no homozygotes.

Submission:

PreventionGenetics, part of Exact Sciences
Classification: Uncertain significance for FBLN1-related condition. Last evaluated: 2025-05-07. Review status: criteria provided, single submitter. Criteria: ACMG Guidelines, 2015. Collection method: clinical testing. Allele origin: germline.
Comment: The FBLN1 c.1545G>C variant is predicted to result in the amino acid substitution p.Arg515Ser. To our knowledge, this variant has not been reported in the literature. This variant is reported in 0.00088% of alleles in individuals of European (Non-Finnish) descent in gnomAD. At this time, the clinical significance of this variant is uncertain due to the absence of conclusive functional and genetic evidence.